The following is an entry in ClinVar:

ClinVar aggregate classification (germline): Uncertain significance (1 of 4 stars; one submission).

Conditions:
Idiopathic generalized epilepsy. Also called: EIG; Generalised epilepsy. Identifiers: MedGen C0270850, MONDO:0005579, OMIM 600669.

gnomAD v4.1: 11 of 1,544,970 alleles (0.00071%); highest among the groups gnomAD compares: East Asian, 0.0025%; no homozygotes.

Submission:

Labcorp Genetics (formerly Invitae), Labcorp
Classification: Uncertain significance for Idiopathic generalized epilepsy. Last evaluated: 2020-09-14. Review status: criteria provided, single submitter. Criteria: Invitae Variant Classification Sherloc (09022015). Collection method: clinical testing. Allele origin: germline.
Comment: This sequence change replaces proline with serine at codon 245 of the RBFOX3 protein (p.Pro245Ser). The proline residue is highly conserved and there is a moderate physicochemical difference between proline and serine. In summary, the available evidence is currently insufficient to determine the role of this variant in disease. Therefore, it has been classified as a Variant of Uncertain Significance. Algorithms developed to predict the effect of missense changes on protein structure and function (SIFT, PolyPhen-2, Align-GVGD) all suggest that this variant is likely to be tolerated, but these predictions have not been confirmed by published functional studies and their clinical significance is uncertain. This variant has not been reported in the literature in individuals with RBFOX3-related conditions. The frequency data for this variant in the population databases is considered unreliable, as metrics indicate insufficient coverage at this position in the ExAC database.

NM_001350451.2(RBFOX3):c.733C>T (p.Pro245Ser)

Gene: RBFOX3 (RNA binding fox-1 homolog 3; minus strand). Cytogenetic location: 17q25.3.
Variant type: single nucleotide variant.
Coding change: c.733C>T on transcript NM_001350451.2 (MANE Select); coding-DNA position 733, C replaced by T.
Protein change: p.Pro245Ser; replaces proline 245 with serine.
Molecular consequence: missense variant.
Genome position (GRCh38, 1-based): chr17:79,097,314, G>A on the plus strand (C>T on the coding strand, the complement: RBFOX3 is on the minus strand). VCF-style: chr17-79097314-G-A. GRCh37 (hg19) VCF-style: chr17-77093396-G-A.
Other names: c.733C>T, p.Pro245Ser (NM_001082575.3, NM_001350453.2, NM_001385804.1 and 33 more transcripts); c.730C>T, p.Pro244Ser (NM_001385806.1, NM_001385822.1, NM_001385823.1 and 4 more transcripts); c.640C>T, p.Pro214Ser (NM_001385824.1); c.754C>T, p.Pro252Ser (NM_001385827.1); c.586C>T, p.Pro196Ser (NM_001385847.1); short protein forms P196S, P214S, P244S, P245S, P252S.
Identifiers: ClinVar variation 1061116 (VCV001061116.9), dbSNP rs1204664048, ClinGen allele CA401316398.